The following is an entry in ClinVar:

ClinVar aggregate classification (germline): Uncertain significance (1 of 4 stars; one submission).

Submission:

Labcorp Genetics (formerly Invitae), Labcorp
Classification: Uncertain significance. Last evaluated: 2025-10-17. Review status: criteria provided, single submitter. Criteria: Invitae Variant Classification Sherloc (09022015). Collection method: clinical testing. Allele origin: germline.
Comment: This sequence change creates a premature translational stop signal (p.Glu51Argfs*37) in the ARHGEF10 gene. It is expected to result in an absent or disrupted protein product. However, the current clinical and genetic evidence is not sufficient to establish whether loss-of-function variants in ARHGEF10 cause disease. This variant is not present in population databases (gnomAD no frequency). This variant has not been reported in the literature in individuals affected with ARHGEF10-related conditions. In summary, the available evidence is currently insufficient to determine the role of this variant in disease. Therefore, it has been classified as a Variant of Uncertain Significance.

NM_014629.4(ARHGEF10):c.150del (p.Glu51fs)

Gene: ARHGEF10 (Rho guanine nucleotide exchange factor 10; plus strand). Cytogenetic location: 8p23.3.
Variant type: Deletion.
Coding change: c.150del on transcript NM_014629.4 (MANE Select); coding-DNA position 150, one base deleted (T; older notation c.150delT).
Protein change: p.Glu51fs; shifts the reading frame from glutamic acid 51.
Molecular consequence: frameshift variant.
Genome position (GRCh38, 1-based): chr8:1,858,072, T deleted. VCF-style (leftmost placement, unchanged base first): chr8-1858071-CT-C. GRCh37 (hg19) VCF-style: chr8-1806237-CT-C.
Other names: c.150del, p.Glu51fs (NM_001308152.2, NM_001308153.3, NM_001438091.1 and 3 more transcripts); short protein forms E51fs.
Identifiers: ClinVar variation 4700444 (VCV004700444.1).
Genomic context (GRCh38, chr8:1,858,071, plus strand): 5'-AGTTCGATTTTGACAGTGGAGATGAAATCCCAGAAGCGGACAGACAGGCCCCATCCGCCC[CT>C]GAGACAGGAGGTGCTGGAGCCAGTGAAGCCCCTGCACCCACAGGTGAGTTTCCAGGAGGG-3'